The following is an entry in ClinVar:

ClinVar aggregate classification (germline): Likely benign (0 of 4 stars; one submission).

Conditions:
CLDN1-related disorder. Also called: CLDN1-related condition.

Allele frequency attached by ClinVar (database versions not stated): gnomAD 0.00002; ExAC 0.00007; TOPMed 0.00012; gnomAD exomes 0.00002.
gnomAD v4.1: 44 of 1,613,518 alleles (0.0027%); highest among the groups gnomAD compares: Admixed American, 0.042%; no homozygotes.

Submission:

PreventionGenetics, part of Exact Sciences
Classification: Likely benign for CLDN1-related condition. Last evaluated: 2021-03-17. Review status: no assertion criteria provided. Collection method: clinical testing. Allele origin: germline.
Comment: This variant is classified as likely benign based on ACMG/AMP sequence variant interpretation guidelines (Richards et al. 2015 PMID: 25741868, with internal and published modifications).

NM_021101.5(CLDN1):c.*7G>A

Genes: CLDN1 (claudin 1; minus strand), CLDN16 (claudin 16; plus strand). Cytogenetic location: 3q28.
Variant type: single nucleotide variant.
Coding change: c.*7G>A on transcript NM_021101.5 (MANE Select); 7 bases downstream of the stop codon, G replaced by A.
Molecular consequence: 3 prime UTR variant. On other transcripts: intron variant (2).
Genome position (GRCh38, 1-based): chr3:190,308,270, C>T on the plus strand (G>A on the coding strand, the complement: CLDN1 is on the minus strand). VCF-style: chr3-190308270-C-T. GRCh37 (hg19) VCF-style: chr3-190026059-C-T.
Other names: c.-445-6623C>T (NM_001378492.1); c.-279+17679C>T (NM_001378493.1).
Identifiers: ClinVar variation 3052181 (VCV003052181.2), dbSNP rs188286992, ClinGen allele CA2753473.
Genomic context (GRCh38, chr3:190,308,270, plus strand): 5'-TTAATGATAGTATCTCAATGTCCATTTTCGGTTTGTTTCAACATGATTTTCTCCTTTTGC[C>T]TCTGTGTCACACGTAGTCTTTCCCGCTGGAAGGTGCAGGTTTTGGATAGGGCCTTGGTGT-3'